The following is an entry in ClinVar:

NM_004629.2(FANCG):c.1316G>C (p.Arg439Thr)

Gene: FANCG (FA complementation group G; minus strand). Cytogenetic location: 9p13.3.
Variant type: single nucleotide variant.
Coding change: c.1316G>C on transcript NM_004629.2 (MANE Select); coding-DNA position 1316, G replaced by C.
Protein change: p.Arg439Thr; replaces arginine 439 with threonine.
Molecular consequence: missense variant.
Genome position (GRCh38, 1-based): chr9:35,075,582, C>G on the plus strand (G>C on the coding strand, the complement: FANCG is on the minus strand). VCF-style: chr9-35075582-C-G. GRCh37 (hg19) VCF-style: chr9-35075579-C-G.
Other names: short protein forms R439T.
Identifiers: ClinVar variation 4254486 (VCV004254486.1).

ClinVar aggregate classification (germline): Uncertain significance (1 of 4 stars; one submission).

Conditions:
Inborn genetic diseases. Identifiers: MedGen C0950123, MeSH D030342.

gnomAD v4.1: 1 of 1,614,138 alleles (0.000062%); no homozygotes.

Submission:

Ambry Genetics
Classification: Uncertain significance for Inborn genetic diseases. Last evaluated: 2025-08-29. Review status: criteria provided, single submitter. Criteria: Ambry Variant Classification Scheme 2023. Collection method: clinical testing. Allele origin: germline.
Comment: The p.R439T variant (also known as c.1316G>C), located in coding exon 10 of the FANCG gene, results from a G to C substitution at nucleotide position 1316. The arginine at codon 439 is replaced by threonine, an amino acid with similar properties. This amino acid position is conserved. In addition, this alteration is predicted to be tolerated by in silico analysis. Based on the available evidence, the clinical significance of this variant remains unclear.